The following is an entry in ClinVar:

NM_002474.3(MYH11):c.2925G>A (p.Thr975=)

Gene: MYH11 (myosin heavy chain 11; minus strand). Cytogenetic location: 16p13.11.
Variant type: single nucleotide variant.
Coding change: c.2925G>A on transcript NM_002474.3 (MANE Select); coding-DNA position 2925, G replaced by A.
Protein change: p.Thr975=; no amino-acid change (threonine 975 retained).
Molecular consequence: synonymous variant.
Genome position (GRCh38, 1-based): chr16:15,740,123, C>T on the plus strand (G>A on the coding strand, the complement: MYH11 is on the minus strand). VCF-style: chr16-15740123-C-T. GRCh37 (hg19) VCF-style: chr16-15833980-C-T.
Other names: c.2946G>A, p.Thr982= (NM_001040113.2, NM_001040114.2); c.2925G>A, p.Thr975= (NM_022844.3); c.2925G>A (NM_002474.2).
Identifiers: ClinVar variation 923383 (VCV000923383.13), dbSNP rs566872637, ClinGen allele CA7922143.

ClinVar aggregate classification (germline): Likely benign. Review status: criteria provided, multiple submitters, no conflicts (2 of 4 stars). 5 submissions from 5 submitters: Likely benign (5). Last evaluated 2024-03-21.

Conditions:
Familial thoracic aortic aneurysm and aortic dissection (TAAD). Also called: Thoracic aortic aneurysms and dissections. Identifiers: Orphanet 91387, MedGen C4707243, MONDO:0019625.
Aortic aneurysm, familial thoracic 4 (AAT4). Also called: AORTIC ANEURYSM/AORTIC DISSECTION AND PATENT DUCTUS ARTERIOSUS. Identifiers: MedGen C1851504, MONDO:0007568, OMIM 132900.

gnomAD v4.1: 9 of 1,614,214 alleles (0.00056%); highest among the groups gnomAD compares: Middle Eastern, 0.016%; 1 homozygote.

Submissions (5):

Labcorp Genetics (formerly Invitae), Labcorp
Classification: Likely benign for Aortic aneurysm, familial thoracic 4. Last evaluated: 2024-03-21. Review status: criteria provided, single submitter. Criteria: Invitae Variant Classification Sherloc (09022015). Collection method: clinical testing. Allele origin: germline.

All of Us Research Program, National Institutes of Health
Classification: Likely benign for Familial thoracic aortic aneurysm and aortic dissection. Last evaluated: 2023-12-07. Review status: criteria provided, single submitter. Criteria: ACMG Guidelines, 2015. Collection method: clinical testing. Allele origin: germline. Inheritance: Autosomal dominant inheritance. Observed: 2 variant alleles, 2 heterozygotes.
Comment: This study involves interpretation of variants in research participants for the purpose of population health screening. Participant phenotype was not available at the time of variant classification. Additional details can be found in publication PMID: 35346344, PMCID: PMC8962531

Ambry Genetics
Classification: Likely benign for Familial thoracic aortic aneurysm and aortic dissection. Last evaluated: 2023-08-11. Review status: criteria provided, single submitter. Criteria: Ambry Variant Classification Scheme 2023. Collection method: clinical testing. Allele origin: germline.

Color Diagnostics, LLC DBA Color Health
Classification: Likely benign for Familial thoracic aortic aneurysm and aortic dissection. Last evaluated: 2019-01-07. Review status: criteria provided, single submitter. Criteria: ACMG Guidelines, 2015. Collection method: clinical testing. Allele origin: germline.

Breakthrough Genomics
Classification: Likely benign. Review status: criteria provided, single submitter. Criteria: ACMG Guidelines, 2015. Collection method: not provided. Allele origin: germline. Inheritance: Autosomal recessive inheritance. Affected: yes.